The following is an entry in ClinVar:

ClinVar aggregate classification (germline): Pathogenic (1 of 4 stars; one submission).

Conditions:
Methylmalonic aciduria and homocystinuria type cblF. Also called: METHYLMALONIC ACIDEMIA AND HOMOCYSTINURIA, cblF TYPE; METHYLMALONIC ACIDURIA DUE TO VITAMIN B12-RELEASE DEFECT; VITAMIN B12 LYSOSOMAL RELEASE DEFECT; VITAMIN B12 STORAGE DISEASE; COBALAMIN F DISEASE; COBALAMIN, DEFECT IN LYSOSOMAL RELEASE OF. Identifiers: Orphanet 79284, MedGen C1848578, MONDO:0010183, OMIM 277380.

Submission:

Labcorp Genetics (formerly Invitae), Labcorp
Classification: Pathogenic for Methylmalonic aciduria and homocystinuria type cblF. Last evaluated: 2024-08-25. Review status: criteria provided, single submitter. Criteria: Invitae Variant Classification Sherloc (09022015). Collection method: clinical testing. Allele origin: germline.
Comment: This sequence change creates a premature translational stop signal (p.Asn453_His454insLeuIleThrPhe*) in the LMBRD1 gene. It is expected to result in an absent or disrupted protein product. Loss-of-function variants in LMBRD1 are known to be pathogenic (PMID: 19136951, 21303734). This variant is not present in population databases (gnomAD no frequency). This variant has not been reported in the literature in individuals affected with LMBRD1-related conditions. For these reasons, this variant has been classified as Pathogenic.

Literature cited by the submitters: PubMed 19136951; PubMed 21303734.

NC_000006.12:g.69697707_69697708insTATCAGATTATCAGAAGTTATATTAGTCTGAAAGATAAAAATACAGTTAAAATATAAAAACCGCATTAATAAATACATTTGGATTTAAAAAGT

Gene: LMBRD1 (LMBR1 domain containing 1; minus strand). Cytogenetic location: 6q13.
Variant type: Insertion.
Genome position: GRCh38: chr6:69,697,707-69,697,708. GRCh37 (hg19): chr6:70,407,599-70,407,600.
Identifiers: ClinVar variation 3663395 (VCV003663395.2).